The following is an entry in ClinVar:

ClinVar aggregate classification (germline): Pathogenic (1 of 4 stars; one submission).

Conditions:
Recessive dystrophic epidermolysis bullosa (RDEB). Also called: DYSTROPHIC EPIDERMOLYSIS BULLOSA, AUTOSOMAL RECESSIVE; EPIDERMOLYSIS BULLOSA DYSTROPHICA, HALLOPEAU-SIEMENS TYPE; Hallopeau-Siemens Disease; severe generalized recessive dystrophic epidermolysis bullosa; EPIDERMOLYSIS BULLOSA DYSTROPHICA, GENERALIZED SEVERE, AUTOSOMAL RECESSIVE; Epidermolysis Bullosa Distrophica Autosomal Recessive (RDEB). Identifiers: Orphanet 79408, Orphanet 79409, MedGen C0079474, MONDO:0009179, OMIM 226600.

Submission:

Myriad Genetics, Inc.
Classification: Pathogenic for Recessive dystrophic epidermolysis bullosa. Last evaluated: 2024-08-19. Review status: criteria provided, single submitter. Criteria: Myriad Autosomal Dominant, Autosomal Recessive and X-Linked Classification Criteria (2023). Collection method: clinical testing. Allele origin: unknown.
Comment: NM_000094.3(COL7A1):c.949delG(E317Rfs*3) is expected to be pathogenic in the context of dystrophic epidermolysis bullosa. This variant is predicted to lead to an abnormal or absent protein product due to the creation of a premature termination codon in COL7A1, a gene where loss-of-function variants are known to be pathogenic. Please note: this variant was assessed in the context of healthy population screening.

NM_000094.4(COL7A1):c.949del (p.Glu317fs)

Gene: COL7A1 (collagen type VII alpha 1 chain; minus strand). Cytogenetic location: 3p21.31.
Variant type: Deletion.
Coding change: c.949del on transcript NM_000094.4 (MANE Select); coding-DNA position 949, one base deleted (G; older notation c.949delG).
Protein change: p.Glu317fs; shifts the reading frame from glutamic acid 317.
Molecular consequence: frameshift variant.
Genome position (GRCh38, 1-based): chr3:48,592,597, C deleted on the plus strand (G on the coding strand, the reverse complement: COL7A1 is on the minus strand); the first of 4 consecutive C bases (chr3:48,592,597-48,592,600); deleting any one gives the same sequence. VCF-style (leftmost placement, unchanged base first): chr3-48592596-TC-T. GRCh37 (hg19) VCF-style: chr3-48630029-TC-T.
Other names: short protein forms E317fs.
Identifiers: ClinVar variation 5013460 (VCV005013460.1).